The following is an entry in ClinVar:

NM_017491.5(WDR1):c.1441G>A (p.Asp481Asn)

Gene: WDR1 (WD repeat domain 1; minus strand). Cytogenetic location: 4p16.1.
Variant type: single nucleotide variant.
Coding change: c.1441G>A on transcript NM_017491.5 (MANE Select); coding-DNA position 1441, G replaced by A.
Protein change: p.Asp481Asn; replaces aspartic acid 481 with asparagine.
Molecular consequence: missense variant.
Genome position (GRCh38, 1-based): chr4:10,077,881, C>T on the plus strand (G>A on the coding strand, the complement: WDR1 is on the minus strand). VCF-style: chr4-10077881-C-T. GRCh37 (hg19) VCF-style: chr4-10079505-C-T.
Other names: c.1021G>A, p.Asp341Asn (NM_005112.5); short protein forms D341N, D481N.
Identifiers: ClinVar variation 1938003 (VCV001938003.4), dbSNP rs927907292, ClinGen allele CA92220118.

ClinVar aggregate classification (germline): Uncertain significance (1 of 4 stars; one submission).

Allele frequency attached by ClinVar (database versions not stated): gnomAD 0.00002; TOPMed 0.00002.

Submission:

Labcorp Genetics (formerly Invitae), Labcorp
Classification: Uncertain significance. Last evaluated: 2022-08-19. Review status: criteria provided, single submitter. Criteria: Invitae Variant Classification Sherloc (09022015). Collection method: clinical testing. Allele origin: germline.
Comment: In summary, the available evidence is currently insufficient to determine the role of this variant in disease. Therefore, it has been classified as a Variant of Uncertain Significance. Algorithms developed to predict the effect of missense changes on protein structure and function output the following: SIFT: "Tolerated"; PolyPhen-2: "Benign"; Align-GVGD: "Class C0". The asparagine amino acid residue is found in multiple mammalian species, which suggests that this missense change does not adversely affect protein function. This variant has not been reported in the literature in individuals affected with WDR1-related conditions. This variant is present in population databases (no rsID available, gnomAD 0.0008%). This sequence change replaces aspartic acid, which is acidic and polar, with asparagine, which is neutral and polar, at codon 481 of the WDR1 protein (p.Asp481Asn).